The following is an entry in ClinVar:

NM_001283009.2(RTEL1):c.3622C>T (p.Pro1208Ser)

Genes: RTEL1 (regulator of telomere elongation helicase 1; plus strand), RTEL1-TNFRSF6B (RTEL1-TNFRSF6B readthrough (NMD candidate); plus strand). Cytogenetic location: 20q13.33.
Variant type: single nucleotide variant.
Coding change: c.3622C>T on transcript NM_001283009.2 (MANE Select); coding-DNA position 3622, C replaced by T.
Protein change: p.Pro1208Ser; replaces proline 1208 with serine.
Molecular consequence: missense variant. On other transcripts: non-coding transcript variant (1).
Genome position (GRCh38, 1-based): chr20:63,695,450, C>T. VCF-style: chr20-63695450-C-T. GRCh37 (hg19) VCF-style: chr20-62326803-C-T.
Other names: c.2953C>T, p.Pro985Ser (NM_001283010.1); c.3622C>T, p.Pro1208Ser (NM_016434.4); c.3694C>T, p.Pro1232Ser (NM_032957.5); short protein forms P985S, P1208S, P1232S.
Identifiers: ClinVar variation 3948374 (VCV003948374.1).

ClinVar aggregate classification (germline): Uncertain significance (1 of 4 stars; one submission).

Conditions:
Inborn genetic diseases. Identifiers: MedGen C0950123, MeSH D030342.

Submission:

Ambry Genetics
Classification: Uncertain significance for Inborn genetic diseases. Last evaluated: 2025-05-05. Review status: criteria provided, single submitter. Criteria: Ambry Variant Classification Scheme 2023. Collection method: clinical testing. Allele origin: germline.
Comment: The p.P1208S variant (also known as c.3622C>T), located in coding exon 33 of the RTEL1 gene, results from a C to T substitution at nucleotide position 3622. The proline at codon 1208 is replaced by serine, an amino acid with similar properties. This amino acid position is conserved. In addition, this alteration is predicted to be tolerated by in silico analysis. Based on the available evidence, the clinical significance of this variant remains unclear.